The following is an entry in ClinVar:

NM_001692.4(ATP6V1B1):c.27T>C (p.Pro9=)

Gene: ATP6V1B1 (ATPase H+ transporting V1 subunit B1; plus strand). Cytogenetic location: 2p13.3.
Variant type: single nucleotide variant.
Coding change: c.27T>C on transcript NM_001692.4 (MANE Select); coding-DNA position 27, T replaced by C.
Protein change: p.Pro9=; no amino-acid change (proline 9 retained).
Molecular consequence: synonymous variant.
Genome position (GRCh38, 1-based): chr2:70,935,981, T>C. VCF-style: chr2-70935981-T-C. GRCh37 (hg19) VCF-style: chr2-71163111-T-C.
Other names: p.Pro9=.
Identifiers: ClinVar variation 44227 (VCV000044227.26), dbSNP rs17853498, ClinGen allele CA133782.

ClinVar aggregate classification (germline): Benign. Review status: criteria provided, multiple submitters, no conflicts (2 of 4 stars). 11 submissions from 11 submitters: Benign (8). 3 of the submissions do not count toward it. Last evaluated 2026-02-04.

Conditions:
Renal tubular acidosis with progressive nerve deafness. Also called: Distal Renal Tubular Acidosis with Progressive Sensorineural Deafness; RENAL TUBULAR ACIDOSIS, AUTOSOMAL RECESSIVE, WITH PROGRESSIVE NERVE DEAFNESS; RTA WITH PROGRESSIVE NERVE DEAFNESS; renal tubular acidosis, distal, 2, with progressive sensorineural hearing loss. Identifiers: MedGen C0403554, MONDO:0009968, OMIM 267300.

Allele frequency attached by ClinVar (database versions not stated): gnomAD exomes 0.10137 and 0.11784; ESP Exome Variant Server 0.11026; TOPMed 0.11448; gnomAD 0.11527 and 0.11867; ExAC 0.12154; 1000 Genomes Project 30x 0.16740; 1000 Genomes Project 0.17113.
gnomAD v4.1: 167,143 of 1,613,628 alleles (10%); highest among the groups gnomAD compares: South Asian, 20%; 10,197 homozygotes.

Submissions (11):

Labcorp Genetics (formerly Invitae), Labcorp
Classification: Benign. Last evaluated: 2026-02-04. Review status: criteria provided, single submitter. Criteria: Invitae Variant Classification Sherloc (09022015). Collection method: clinical testing. Allele origin: germline.

Blueprint Genetics
Classification: Benign. Last evaluated: 2024-11-26. Review status: criteria provided, single submitter. Criteria: ACMG Guidelines, 2015. Collection method: clinical testing. Allele origin: germline.

Mayo Clinic Laboratories, Mayo Clinic
Classification: Benign. Last evaluated: 2022-03-09. Review status: criteria provided, single submitter. Criteria: ACMG Guidelines, 2015. Collection method: clinical testing. Allele origin: germline. Observed: 62 variant alleles.

Genome-Nilou Lab
Classification: Benign for Renal tubular acidosis with progressive nerve deafness. Last evaluated: 2021-07-10. Review status: criteria provided, single submitter. Criteria: ACMG Guidelines, 2015. Collection method: clinical testing. Allele origin: germline. Affected: no.

Illumina Laboratory Services, Illumina
Classification: Benign for Renal tubular acidosis with progressive nerve deafness. Last evaluated: 2018-01-13. Review status: criteria provided, single submitter. Criteria: ICSL Variant Classification Criteria 13 December 2019. Collection method: clinical testing. Allele origin: germline.
Comment: This variant was observed in the ICSL laboratory as part of a predisposition screen in an ostensibly healthy population. It had not been previously curated by ICSL or reported in the Human Gene Mutation Database (HGMD: prior to June 1st, 2018), and was therefore a candidate for classification through an automated scoring system. Utilizing variant allele frequency, disease prevalence and penetrance estimates, and inheritance mode, an automated score was calculated to assess if this variant is too frequent to cause the disease. Based on the score and internal cut-off values, a variant classified as benign is not then subjected to further curation. The score for this variant resulted in a classification of benign for this disease.

GeneDx
Classification: Benign. Last evaluated: 2017-05-09. Review status: criteria provided, single submitter. Criteria: GeneDx Variant Classification (06012015). Collection method: clinical testing. Allele origin: germline. Affected: yes.
Comment: This variant is considered likely benign or benign based on one or more of the following criteria: it is a conservative change, it occurs at a poorly conserved position in the protein, it is predicted to be benign by multiple in silico algorithms, and/or has population frequency not consistent with disease.

Laboratory for Molecular Medicine, Mass General Brigham Personalized Medicine
Classification: Benign. Last evaluated: 2012-05-07. Review status: criteria provided, single submitter. Criteria: LMM Criteria. Collection method: clinical testing. Allele origin: germline. Observed: 339 variant alleles.
Comment: "Pro9Pro in Exon 01 of ATP6V1B1: This variant is not expected to have clinical s ignificance because it does not alter an amino acid residue, is not located with in the splice consensus sequence, and has been identified in 15.4% (577/3738) of African American chromosomes from a broad population by the NHLBI Exome Sequenc ing Project (dbSNP rs17853498)."

Breakthrough Genomics
Classification: Benign. Review status: criteria provided, single submitter. Criteria: ACMG Guidelines, 2015. Collection method: not provided. Allele origin: germline. Inheritance: Autosomal recessive inheritance. Affected: yes.

Natera, Inc.
Classification: Benign for Renal tubular acidosis with progressive nerve deafness. Last evaluated: 2020-09-16. Review status: no assertion criteria provided. Collection method: clinical testing. Allele origin: germline. Not counted in ClinVar's aggregate classification.

Genome Diagnostics Laboratory, University Medical Center Utrecht
Classification: Benign. Review status: no assertion criteria provided. Collection method: clinical testing. Allele origin: germline. Affected: yes. Study: VKGL Data-share Consensus. Not counted in ClinVar's aggregate classification.

Joint Genome Diagnostic Labs from Nijmegen and Maastricht, Radboudumc and MUMC+
Classification: Benign. Review status: no assertion criteria provided. Collection method: clinical testing. Allele origin: germline. Affected: yes. Study: VKGL Data-share Consensus. Not counted in ClinVar's aggregate classification.